The following is an entry in ClinVar:

NM_138295.5(PKD1L1):c.2487A>G (p.Pro829=)

Gene: PKD1L1 (polycystin 1 like 1, transient receptor potential channel interacting; minus strand). Cytogenetic location: 7p12.3.
Variant type: single nucleotide variant.
Coding change: c.2487A>G on transcript NM_138295.5 (MANE Select); coding-DNA position 2487, A replaced by G.
Protein change: p.Pro829=; no amino-acid change (proline 829 retained).
Molecular consequence: synonymous variant.
Genome position (GRCh38, 1-based): chr7:47,890,730, T>C on the plus strand (A>G on the coding strand, the complement: PKD1L1 is on the minus strand). VCF-style: chr7-47890730-T-C. GRCh37 (hg19) VCF-style: chr7-47930328-T-C.
Identifiers: ClinVar variation 4993302 (VCV004993302.1).
Genomic context (GRCh38, chr7:47,890,730, plus strand): 5'-AACAGTGGGAGCCGCGGCATCCAGTTGGTGTGCAGTGGAGGAGTCGAAGCAGGGATGTGC[T>C]GGGGAGCCAGCGGTGGCGCATTCCCAGTGATACCTGTTGGAGAAGTCATCGGAGTGGCTG-3'
Protein context (NP_612152.1, residues 819-839): YHWECATAGS[Pro829=]AHPCFDSSTA

ClinVar aggregate classification (germline): Likely benign (1 of 4 stars; one submission).

Conditions:
PKD1L1-related disorder. Also called: PKD1L1-related condition.

gnomAD v4.1: 3 of 1,612,810 alleles (0.00019%); highest among the groups gnomAD compares: African/African-American, 0.0013%; no homozygotes.

Submission:

PreventionGenetics, part of Exact Sciences
Classification: Likely benign for PKD1L1-related condition. Last evaluated: 2025-11-21. Review status: criteria provided, single submitter. Criteria: ACMG Guidelines, 2015. Collection method: clinical testing. Allele origin: germline.
Comment: This variant is classified as likely benign based on ACMG/AMP sequence variant interpretation guidelines (Richards et al. 2015 PMID: 25741868, with internal and published modifications).